The following is an entry in ClinVar:

ClinVar aggregate classification (germline): Uncertain significance (1 of 4 stars; one submission).

Conditions:
Combined immunodeficiency due to LRBA deficiency. Also called: Common variable immunodeficiency 8, with autoimmunity. Identifiers: Orphanet 445018, MedGen C3553512, MONDO:0013863, OMIM 614700.

Allele frequency attached by ClinVar (database versions not stated): gnomAD exomes below 0.00001.
gnomAD v4.1: 1 of 1,612,620 alleles (0.000062%); highest among the groups gnomAD compares: Middle Eastern, 0.017%; no homozygotes.

Submission:

Labcorp Genetics (formerly Invitae), Labcorp
Classification: Uncertain significance for Combined immunodeficiency due to LRBA deficiency. Last evaluated: 2019-05-29. Review status: criteria provided, single submitter. Criteria: Invitae Variant Classification Sherloc (09022015). Collection method: clinical testing. Allele origin: germline.
Comment: This sequence change replaces methionine with isoleucine at codon 836 of the LRBA protein (p.Met836Ile). The methionine residue is weakly conserved and there is a small physicochemical difference between methionine and isoleucine. This variant is not present in population databases (ExAC no frequency). This variant has not been reported in the literature in individuals with LRBA-related conditions. Algorithms developed to predict the effect of missense changes on protein structure and function (SIFT, PolyPhen-2, Align-GVGD) all suggest that this variant is likely to be tolerated, but these predictions have not been confirmed by published functional studies and their clinical significance is uncertain. In summary, the available evidence is currently insufficient to determine the role of this variant in disease. Therefore, it has been classified as a Variant of Uncertain Significance.

NM_001364905.1(LRBA):c.2508G>A (p.Met836Ile)

Gene: LRBA (LPS responsive beige-like anchor protein; minus strand). Cytogenetic location: 4q31.3.
Variant type: single nucleotide variant.
Coding change: c.2508G>A on transcript NM_001364905.1 (MANE Select); coding-DNA position 2508, G replaced by A.
Protein change: p.Met836Ile; replaces methionine 836 with isoleucine.
Molecular consequence: missense variant.
Genome position (GRCh38, 1-based): chr4:150,868,247, C>T on the plus strand (G>A on the coding strand, the complement: LRBA is on the minus strand). VCF-style: chr4-150868247-C-T. GRCh37 (hg19) VCF-style: chr4-151789399-C-T.
Other names: c.2508G>A, p.Met836Ile (NM_001199282.3, NM_001367550.1, NM_006726.5); short protein forms M836I.
Identifiers: ClinVar variation 941812 (VCV000941812.9), dbSNP rs966276627, ClinGen allele CA107831294.
Genomic context (GRCh38, chr4:150,868,247, plus strand): 5'-GTTTTCTCTACTGTTATTAAAAAGTTTAATCATGTCAGAAAGAAAGGCTCTGCGAACCTC[C>T]ATGCTCTCTGGGCACTGGGGAGAATTTCGAAGTAGGGTCGCAATTACTTTTAGTATCTCT-3'
Protein context (NP_001351834.1, residues 826-846): LRNSPQCPES[Met836Ile]EVRRAFLSDM